The following is an entry in ClinVar:

ClinVar aggregate classification (germline): Likely benign. Review status: criteria provided, multiple submitters, no conflicts (2 of 4 stars). 4 submissions from 4 submitters: Likely benign (3). 1 of the submissions does not count toward it. Last evaluated 2024-01-16.

Conditions:
CACNA1E-related disorder. Also called: CACNA1E-related condition.
Developmental and epileptic encephalopathy, 69. Also called: EPILEPTIC ENCEPHALOPATHY, EARLY INFANTILE, 69. Identifiers: MedGen C4748988, MONDO:0032657, OMIM 618285.

Allele frequency attached by ClinVar (database versions not stated): gnomAD exomes 0.00004; gnomAD 0.00014 and 0.00015; TOPMed 0.00015.
gnomAD v4.1: 45 of 1,613,826 alleles (0.0028%); highest among the groups gnomAD compares: Middle Eastern, 0.099%; 2 homozygotes.

Submissions (4):

Labcorp Genetics (formerly Invitae), Labcorp
Classification: Likely benign. Last evaluated: 2024-01-16. Review status: criteria provided, single submitter. Criteria: Invitae Variant Classification Sherloc (09022015). Collection method: clinical testing. Allele origin: germline.

Genome-Nilou Lab
Classification: Likely benign for Developmental and epileptic encephalopathy, 69. Last evaluated: 2023-04-11. Review status: criteria provided, single submitter. Criteria: ACMG Guidelines, 2015. Collection method: clinical testing. Allele origin: germline. Affected: no.

CeGaT Center for Human Genetics Tuebingen
Classification: Likely benign. Last evaluated: 2021-12-01. Review status: criteria provided, single submitter. Criteria: CeGaT Center For Human Genetics Tuebingen Variant Classification Criteria Version 2. Collection method: clinical testing. Allele origin: germline. Affected: yes. Observed: 1 variant allele.

PreventionGenetics, part of Exact Sciences
Classification: Likely benign for CACNA1E-related condition. Last evaluated: 2019-02-21. Review status: no assertion criteria provided. Collection method: clinical testing. Allele origin: germline. Not counted in ClinVar's aggregate classification.
Comment: This variant is classified as likely benign based on ACMG/AMP sequence variant interpretation guidelines (Richards et al. 2015 PMID: 25741868, with internal and published modifications).

NM_001205293.3(CACNA1E):c.1113G>A (p.Arg371=)

Gene: CACNA1E (calcium voltage-gated channel subunit alpha1 E; plus strand). Cytogenetic location: 1q25.3.
Variant type: single nucleotide variant.
Coding change: c.1113G>A on transcript NM_001205293.3 (MANE Select); coding-DNA position 1113, G replaced by A.
Protein change: p.Arg371=; no amino-acid change (arginine 371 retained).
Molecular consequence: synonymous variant.
Genome position (GRCh38, 1-based): chr1:181,711,011, G>A. VCF-style: chr1-181711011-G-A. GRCh37 (hg19) VCF-style: chr1-181680147-G-A.
Other names: c.1113G>A (NM_000721.3); c.1113G>A, p.Arg371= (NM_000721.4, NM_001205294.2).
Identifiers: ClinVar variation 1335001 (VCV001335001.40), dbSNP rs1364900476, ClinGen allele CA422069863.
Genomic context (GRCh38, chr1:181,711,011, plus strand): 5'-CAGGGAATTTGCCAAAGAGAGAGAGAGAGTGGAGAACCGAAGGGCTTTCATGAAGCTGCG[G>A]CGCCAGCAGCAGATTGAGCGTGAGCTGAATGGCTACCGTGCCTGGATAGACAAAGCAGGT-3'
Protein context (NP_001192222.1, residues 361-381): VENRRAFMKL[Arg371=]RQQQIERELN